The following is an entry in ClinVar:

ClinVar aggregate classification (germline): Uncertain significance (1 of 4 stars; one submission).

Conditions:
Hereditary cancer-predisposing syndrome. Also called: Hereditary Cancer Syndrome; Hereditary neoplastic syndrome; Neoplastic Syndromes, Hereditary; Tumor predisposition. Identifiers: Orphanet 140162, MedGen C0027672, MeSH D009386, MONDO:0015356.

gnomAD v4.1: 1 of 1,612,778 alleles (0.000062%); highest among the groups gnomAD compares: Non-Finnish European, 0.000085%; no homozygotes.

Submission:

Ambry Genetics
Classification: Uncertain significance for Hereditary cancer-predisposing syndrome. Last evaluated: 2025-08-25. Review status: criteria provided, single submitter. Criteria: Ambry Variant Classification Scheme 2023. Collection method: clinical testing. Allele origin: germline.
Comment: The p.R126I variant (also known as c.377G>T), located in coding exon 4 of the FANCC gene, results from a G to T substitution at nucleotide position 377. The arginine at codon 126 is replaced by isoleucine, an amino acid with similar properties. This amino acid position is conserved. In addition, this alteration is predicted to be tolerated by in silico analysis. Based on the available evidence, the clinical significance of this variant remains unclear.

NM_000136.3(FANCC):c.377G>T (p.Arg126Ile)

Gene: FANCC (FA complementation group C; minus strand). Cytogenetic location: 9q22.32.
Variant type: single nucleotide variant.
Coding change: c.377G>T on transcript NM_000136.3 (MANE Select); coding-DNA position 377, G replaced by T.
Protein change: p.Arg126Ile; replaces arginine 126 with isoleucine.
Molecular consequence: missense variant.
Genome position (GRCh38, 1-based): chr9:95,172,116, C>A on the plus strand (G>T on the coding strand, the complement: FANCC is on the minus strand). VCF-style: chr9-95172116-C-A. GRCh37 (hg19) VCF-style: chr9-97934398-C-A.
Other names: c.377G>T, p.Arg126Ile (NM_001243743.2, NM_001243744.2); short protein forms R126I.
Identifiers: ClinVar variation 4254371 (VCV004254371.1).